The following is an entry in ClinVar:

ClinVar aggregate classification (germline): Uncertain significance (1 of 4 stars; one submission).

Conditions:
Neuronal ceroid lipofuscinosis 7 (CLN7). Also called: MFSD8-Related Neuronal Ceroid-Lipofuscinosis. Identifiers: Orphanet 168491, Orphanet 228366, MedGen C1838571, MONDO:0012588, OMIM 610951.

Allele frequency attached by ClinVar (database versions not stated): gnomAD exomes below 0.00001; ExAC 0.00001; gnomAD 0.00001; 1000 Genomes Project 30x 0.00016; 1000 Genomes Project 0.00020.

Submission:

Labcorp Genetics (formerly Invitae), Labcorp
Classification: Uncertain significance for Neuronal ceroid lipofuscinosis 7. Last evaluated: 2024-07-15. Review status: criteria provided, single submitter. Criteria: Invitae Variant Classification Sherloc (09022015). Collection method: clinical testing. Allele origin: germline.
Comment: This sequence change replaces isoleucine, which is neutral and non-polar, with valine, which is neutral and non-polar, at codon 172 of the MFSD8 protein (p.Ile172Val). This variant is present in population databases (rs540305093, gnomAD 0.007%). This variant has not been reported in the literature in individuals affected with MFSD8-related conditions. ClinVar contains an entry for this variant (Variation ID: 1428983). Advanced modeling of protein sequence and biophysical properties (such as structural, functional, and spatial information, amino acid conservation, physicochemical variation, residue mobility, and thermodynamic stability) performed at Invitae indicates that this missense variant is not expected to disrupt MFSD8 protein function with a negative predictive value of 80%. Algorithms developed to predict the effect of sequence changes on RNA splicing suggest that this variant may disrupt the consensus splice site. In summary, the available evidence is currently insufficient to determine the role of this variant in disease. Therefore, it has been classified as a Variant of Uncertain Significance.

NM_001371596.2(MFSD8):c.514A>G (p.Ile172Val)

Gene: MFSD8 (major facilitator superfamily domain containing 8; minus strand). Cytogenetic location: 4q28.2.
Variant type: single nucleotide variant.
Coding change: c.514A>G on transcript NM_001371596.2 (MANE Select); coding-DNA position 514, A replaced by G.
Protein change: p.Ile172Val; replaces isoleucine 172 with valine.
Molecular consequence: missense variant. On other transcripts: intron variant (4).
Genome position (GRCh38, 1-based): chr4:127,942,084, T>C on the plus strand (A>G on the coding strand, the complement: MFSD8 is on the minus strand). VCF-style: chr4-127942084-T-C. GRCh37 (hg19) VCF-style: chr4-128863239-T-C.
Other names: c.514A>G, p.Ile172Val (NM_001363520.3, NM_001371591.2, NM_001371592.2 and 2 more transcripts); c.379A>G, p.Ile127Val (NM_001371590.2, NM_001371595.1); c.304+1668A>G (NM_001410765.1); c.439+1668A>G (NM_001363521.3, NM_001410766.1, NM_001371593.2); short protein forms I172V, I127V.
Identifiers: ClinVar variation 1428983 (VCV001428983.8), dbSNP rs540305093, ClinGen allele CA3077451.